The following is an entry in ClinVar:

NM_001009944.3(PKD1):c.3999C>G (p.Gly1333=)

Gene: PKD1 (polycystin 1, transient receptor potential channel interacting; minus strand). Cytogenetic location: 16p13.3.
Variant type: single nucleotide variant.
Coding change: c.3999C>G on transcript NM_001009944.3 (MANE Select); coding-DNA position 3999, C replaced by G.
Protein change: p.Gly1333=; no amino-acid change (glycine 1333 retained).
Molecular consequence: synonymous variant.
Genome position (GRCh38, 1-based): chr16:2,111,168, G>C on the plus strand (C>G on the coding strand, the complement: PKD1 is on the minus strand). VCF-style: chr16-2111168-G-C. GRCh37 (hg19) VCF-style: chr16-2161169-G-C.
Other names: c.3999C>G, p.Gly1333= (NM_000296.4).
Identifiers: ClinVar variation 3051536 (VCV003051536.6), dbSNP rs762183748, ClinGen allele CA7832537.

ClinVar aggregate classification (germline): Likely benign. Review status: criteria provided, single submitter (1 of 4 stars). 2 submissions from 2 submitters: Likely benign (1). 1 of the submissions does not count toward it. Last evaluated 2026-03-01.

Conditions:
PKD1-related disorder. Also called: PKD1-related condition.

gnomAD v4.1: 47 of 1,611,192 alleles (0.0029%); highest among the groups gnomAD compares: Admixed American, 0.053%; no homozygotes.

Submissions (2):

CeGaT Center for Human Genetics Tuebingen
Classification: Likely benign. Last evaluated: 2026-03-01. Review status: criteria provided, single submitter. Criteria: CeGaT Center For Human Genetics Tuebingen Variant Classification Criteria Version 2. Collection method: clinical testing. Allele origin: germline. Affected: yes. Observed: 1 variant allele.
Comment: PKD1: BP4, BP7

PreventionGenetics, part of Exact Sciences
Classification: Likely benign for PKD1-related condition. Last evaluated: 2020-02-20. Review status: no assertion criteria provided. Collection method: clinical testing. Allele origin: germline. Not counted in ClinVar's aggregate classification.
Comment: This variant is classified as likely benign based on ACMG/AMP sequence variant interpretation guidelines (Richards et al. 2015 PMID: 25741868, with internal and published modifications).